The following is an entry in ClinVar:

NM_001165963.4(SCN1A):c.760_763dup (p.Val255fs)

Gene: SCN1A (sodium voltage-gated channel alpha subunit 1; minus strand). Cytogenetic location: 2q24.3.
Variant type: Duplication.
Coding change: c.760_763dup on transcript NM_001165963.4 (MANE Select); coding-DNA positions 760 to 763, 4 bases duplicated (ACTG; older notation c.760_763dupACTG).
Protein change: p.Val255fs; shifts the reading frame from valine 255.
Molecular consequence: frameshift variant. On other transcripts: 5 prime UTR variant (1), non-coding transcript variant (1).
Genome position (GRCh38, 1-based): chr2:166,051,920-166,051,923, CAGT duplicated on the plus strand (ACTG on the coding strand, the reverse complement: SCN1A is on the minus strand); duplicating any 4 consecutive bases within chr2:166,051,920-166,051,926 gives the same sequence; the c. name uses the placement nearest the transcript's 3' end. VCF-style (leftmost placement, unchanged base first): chr2-166051919-A-ACAGT. GRCh37 (hg19) VCF-style: chr2-166908429-A-ACAGT.
Other names: c.760_763dup, p.Val255fs (NM_001165964.3, NM_001202435.3, NM_001353948.2 and 10 more transcripts); c.-1666_-1663dup (NM_001353961.2); short protein forms V255fs.
Identifiers: ClinVar variation 2846312 (VCV002846312.3), dbSNP rs2468224169, ClinGen allele CA2739271501.
Genomic context (GRCh38, chr2:166,051,919, plus strand): 5'-TTCCTCAGGTTGCCCATGAACAGCTGCAGCCCAATTAGAGCAAATACGCTCAGACAGAAC[A>ACAGT]CAGTCAGGATCATTACATCTGAGAGCTTCTTCACAGACTGGATCAGGGCTCCCACAATGG-3'

ClinVar aggregate classification (germline): Pathogenic (1 of 4 stars; one submission).

Conditions:
Early-infantile DEE. Also called: Early infantile epileptic encephalopathy; Early infantile epileptic encephalopathy with suppression bursts; Ohtahara syndrome. Identifiers: Orphanet 1934, MedGen C0393706, MONDO:0800491.

Submission:

Labcorp Genetics (formerly Invitae), Labcorp
Classification: Pathogenic for Early-infantile DEE. Last evaluated: 2023-03-16. Review status: criteria provided, single submitter. Criteria: Invitae Variant Classification Sherloc (09022015). Collection method: clinical testing. Allele origin: germline.
Comment: This sequence change creates a premature translational stop signal (p.Val255Aspfs*23) in the SCN1A gene. It is expected to result in an absent or disrupted protein product. Loss-of-function variants in SCN1A are known to be pathogenic (PMID: 17347258, 18930999). For these reasons, this variant has been classified as Pathogenic. This variant has not been reported in the literature in individuals affected with SCN1A-related conditions. This variant is not present in population databases (gnomAD no frequency).

Literature cited by the submitters: PubMed 17347258; PubMed 18930999.